The following is an entry in ClinVar:

ClinVar aggregate classification (germline): Pathogenic (1 of 4 stars; one submission).

Submission:

Labcorp Genetics (formerly Invitae), Labcorp
Classification: Pathogenic. Last evaluated: 2022-02-04. Review status: criteria provided, single submitter. Criteria: Invitae Variant Classification Sherloc (09022015). Collection method: clinical testing. Allele origin: germline.
Comment: This sequence change creates a premature translational stop signal (p.Pro920Leufs*108) in the COL2A1 gene. It is expected to result in an absent or disrupted protein product. Loss-of-function variants in COL2A1 are known to be pathogenic (PMID: 20179744). For these reasons, this variant has been classified as Pathogenic. This premature translational stop signal has been observed in individual(s) with Stickler syndrome (Invitae). This variant is not present in population databases (gnomAD no frequency).

Literature cited by the submitters: PubMed 20179744.

NM_001844.5(COL2A1):c.2759del (p.Pro920fs)

Gene: COL2A1 (collagen type II alpha 1 chain; minus strand). Cytogenetic location: 12q13.11.
Variant type: Deletion.
Coding change: c.2759del on transcript NM_001844.5 (MANE Select); coding-DNA position 2759, one base deleted (C; older notation c.2759delC).
Protein change: p.Pro920fs; shifts the reading frame from proline 920.
Molecular consequence: frameshift variant.
Genome position (GRCh38, 1-based): chr12:47,978,733, G deleted on the plus strand (C on the coding strand, the reverse complement: COL2A1 is on the minus strand); the first of 5 consecutive G bases (chr12:47,978,733-47,978,737); deleting any one gives the same sequence. VCF-style (leftmost placement, unchanged base first): chr12-47978732-AG-A. GRCh37 (hg19) VCF-style: chr12-48372515-AG-A.
Other names: c.2552del, p.Pro851fs (NM_033150.3); short protein forms P851fs, P920fs.
Identifiers: ClinVar variation 1451162 (VCV001451162.8), dbSNP rs2136528491, ClinGen allele CA645570670.
Genomic context (GRCh38, chr12:47,978,732, plus strand): 5'-TCGGCCAGGGGGGCCGCTGTCTCCTCGAGCACCTTTGGGACCATCTTTTCCAGAAGGACC[AG>A]GGGGACCAGGGGGTCCAGGGTTGCCCTAGAAGGAGAAAATGCGGGAAGTGAGGACTCATC-3'